The following is an entry in ClinVar:

ClinVar aggregate classification (germline): Likely benign. Review status: criteria provided, multiple submitters, no conflicts (2 of 4 stars). 8 submissions from 8 submitters: Likely benign (4). 4 of the submissions do not count toward it. Last evaluated 2025-04-25.

Conditions:
Polycystic kidney disease. Also called: Kidney, Polycystic; Polycystic kidney dysplasia. Identifiers: MedGen C0022680, MeSH D007690, MONDO:0020642, HP:0000113.

Allele frequency attached by ClinVar (database versions not stated): ExAC 0.00090; 1000 Genomes Project 30x 0.00094; 1000 Genomes Project 0.00100; gnomAD 0.00108 and 0.00111; TOPMed 0.00118.
gnomAD v4.1: 2,395 of 1,553,660 alleles (0.15%); highest among the groups gnomAD compares: Non-Finnish European, 0.18%; 3 homozygotes.

Submissions (8):

Women's Health and Genetics/Laboratory Corporation of America, LabCorp
Classification: Likely benign. Last evaluated: 2025-04-25. Review status: criteria provided, single submitter. Criteria: LabCorp Variant Classification Summary - May 2015. Collection method: clinical testing. Allele origin: germline.

Blueprint Genetics
Classification: Likely benign. Last evaluated: 2024-11-27. Review status: criteria provided, single submitter. Criteria: ACMG Guidelines, 2015. Collection method: clinical testing. Allele origin: germline.

GeneDx
Classification: Likely benign. Last evaluated: 2021-10-28. Review status: criteria provided, single submitter. Criteria: GeneDx Variant Classification Process June 2021. Collection method: clinical testing. Allele origin: germline. Affected: yes.

Breakthrough Genomics
Classification: Likely benign. Review status: criteria provided, single submitter. Criteria: ACMG Guidelines, 2015. Collection method: not provided. Allele origin: germline. Inheritance: Autosomal dominant inheritance. Affected: yes.

Department of Pathology and Laboratory Medicine, Sinai Health System
Classification: Likely benign for Polycystic Kidney disease. Review status: no assertion criteria provided. Collection method: clinical testing. Allele origin: unknown. Affected: yes. Study: The Canadian Open Genetics Repository (COGR). Not counted in ClinVar's aggregate classification.
Comment: The PKD1 c.9924-11C>T variant was not identified in the literature nor was it identified in the ClinVar, LOVD 3.0, ADPKD Mutation Database, or the PKD1-LOVD database. The variant was identified in control databases in 197 of 174668 chromosomes at a frequency of 0.001, increasing the likelihood this could be a low frequency benign variant (Genome Aggregation Database Feb 27, 2017). The variant was observed in the following populations: African in 8 of 15394 chromosomes (freq: 0.0005), Other in 7 of 4722 chromosomes (freq: 0.001), Latino in 26 of 24734 chromosomes (freq: 0.001), European in 116 of 69022 chromosomes (freq: 0.002), Ashkenazi Jewish in 1 of 8398 chromosomes (freq: 0.0001), Finnish in 29 of 17870 chromosomes (freq: 0.001), and South Asian in 10 of 22782 chromosomes (freq: 0.0004); it was not observed in the East Asian population. The c.9924-11C>T variant is located in the 3' splice region; it does not affect the invariant -1 and -2 positions, although positions -3 and -5 to -12 are part of the splicing consensus sequence and variants involving these positions sometimes affect splicing. However, in silico or computational prediction software programs (SpliceSiteFinder, MaxEntScan, NNSPLICE, GeneSplicer) do not predict a difference in splicing. In summary, based on the above information, the clinical significance of this variant cannot be determined with certainty at this time although we would lean towards a more benign role for this variant. This variant is classified as likely benign.

Genome Diagnostics Laboratory, University Medical Center Utrecht
Classification: Benign. Review status: no assertion criteria provided. Collection method: clinical testing. Allele origin: germline. Affected: yes. Study: VKGL Data-share Consensus. Not counted in ClinVar's aggregate classification.

Joint Genome Diagnostic Labs from Nijmegen and Maastricht, Radboudumc and MUMC+
Classification: Benign. Review status: no assertion criteria provided. Collection method: clinical testing. Allele origin: germline. Affected: yes. Study: VKGL Data-share Consensus. Not counted in ClinVar's aggregate classification.

Laboratory of Diagnostic Genome Analysis, Leiden University Medical Center (LUMC)
Classification: Likely benign. Review status: no assertion criteria provided. Collection method: clinical testing. Allele origin: germline. Affected: yes. Study: VKGL Data-share Consensus. Not counted in ClinVar's aggregate classification.

NM_001009944.3(PKD1):c.9924-11C>T

Gene: PKD1 (polycystin 1, transient receptor potential channel interacting; minus strand). Cytogenetic location: 16p13.3.
Variant type: single nucleotide variant.
Coding change: c.9924-11C>T on transcript NM_001009944.3 (MANE Select); 11 bases into the intron before coding-DNA position 9924, C replaced by T.
Molecular consequence: intron variant.
Genome position (GRCh38, 1-based): chr16:2,099,781, G>A on the plus strand (C>T on the coding strand, the complement: PKD1 is on the minus strand). VCF-style: chr16-2099781-G-A. GRCh37 (hg19) VCF-style: chr16-2149782-G-A.
Other names: c.9924-11C>T (NM_000296.4).
Identifiers: ClinVar variation 997252 (VCV000997252.10), dbSNP rs201154266, ClinGen allele CA7829876.
Genomic context (GRCh38, chr16:2,099,781, plus strand): 5'-CAGCGACTGTGTCGACGCTCAGCGGGCTCAGCCTGGACACATGCCCCGTGCTGTGTGGAG[G>A]AGAGGAGGCCACACAGGTGAGGCTGAGGGGCAGGAAGGGCTGGGCAGGAAGAGGCTGCCC-3'